The following is an entry in ClinVar:

NM_001357.5(DHX9):c.3664dup (p.Ser1222fs)

Gene: DHX9 (DExH-box helicase 9; plus strand). Cytogenetic location: 1q25.3.
Variant type: Duplication.
Coding change: c.3664dup on transcript NM_001357.5 (MANE Select); coding-DNA position 3664, one base duplicated (T; older notation c.3664dupT).
Protein change: p.Ser1222fs; shifts the reading frame from serine 1222.
Molecular consequence: frameshift variant. On other transcripts: non-coding transcript variant (1).
Genome position (GRCh38, 1-based): chr1:182,887,285, T duplicated; the last of 3 consecutive T bases (chr1:182,887,283-182,887,285); duplicating any one gives the same sequence. VCF-style (leftmost placement, unchanged base first): chr1-182887282-G-GT. GRCh37 (hg19) VCF-style: chr1-182856417-G-GT.
Other names: short protein forms S1222fs.
Identifiers: ClinVar variation 4282501 (VCV004282501.1).

ClinVar aggregate classification (germline): Uncertain significance (1 of 4 stars; one submission).

Submission:

GeneDx
Classification: Uncertain significance. Last evaluated: 2025-04-07. Review status: criteria provided, single submitter. Criteria: GeneDx Variant Classification Process June 2021. Collection method: clinical testing. Allele origin: germline. Affected: yes.
Comment: Not observed at significant frequency in large population cohorts (gnomAD); Frameshift variant predicted to result in abnormal protein length as the last 49 amino acid(s) are replaced with 5 different amino acid(s); Has not been previously published as pathogenic or benign to our knowledge